The following is an entry in ClinVar:

ClinVar aggregate classification (germline): Likely benign (1 of 4 stars; one submission).

gnomAD v4.1: 31 of 1,613,668 alleles (0.0019%); highest among the groups gnomAD compares: African/African-American, 0.008%; no homozygotes.

Submission:

CeGaT Center for Human Genetics Tuebingen
Classification: Likely benign. Last evaluated: 2025-03-01. Review status: criteria provided, single submitter. Criteria: CeGaT Center For Human Genetics Tuebingen Variant Classification Criteria Version 2. Collection method: clinical testing. Allele origin: germline. Affected: yes. Observed: 1 variant allele.
Comment: MYO10: BP4, BP7

NM_012334.3(MYO10):c.2826C>T (p.Leu942=)

Gene: MYO10 (myosin X; minus strand). Cytogenetic location: 5p15.1.
Variant type: single nucleotide variant.
Coding change: c.2826C>T on transcript NM_012334.3 (MANE Select); coding-DNA position 2826, C replaced by T.
Protein change: p.Leu942=; no amino-acid change (leucine 942 retained).
Molecular consequence: synonymous variant.
Genome position (GRCh38, 1-based): chr5:16,701,569, G>A on the plus strand (C>T on the coding strand, the complement: MYO10 is on the minus strand). VCF-style: chr5-16701569-G-A. GRCh37 (hg19) VCF-style: chr5-16701678-G-A.
Identifiers: ClinVar variation 3778187 (VCV003778187.7).